The following is an entry in ClinVar:

NM_133259.4(LRPPRC):c.1843-28T>G

Gene: LRPPRC (leucine rich pentatricopeptide repeat containing; minus strand). Cytogenetic location: 2p21.
Variant type: single nucleotide variant.
Coding change: c.1843-28T>G on transcript NM_133259.4 (MANE Select); 28 bases into the intron before coding-DNA position 1843, T replaced by G.
Molecular consequence: intron variant.
Genome position (GRCh38, 1-based): chr2:43,948,227, A>C on the plus strand (T>G on the coding strand, the complement: LRPPRC is on the minus strand). VCF-style: chr2-43948227-A-C. GRCh37 (hg19) VCF-style: chr2-44175366-A-C.
Identifiers: ClinVar variation 671664 (VCV000671664.5), dbSNP rs72877186, ClinGen allele CA1638710.

ClinVar aggregate classification (germline): Benign. Review status: criteria provided, multiple submitters, no conflicts (2 of 4 stars). 3 submissions from 3 submitters: Benign (3). Last evaluated 2021-07-10.

Conditions:
Congenital lactic acidosis, Saguenay-Lac-Saint-Jean type (MC4DN5). Also called: CYTOCHROME c OXIDASE DEFICIENCY, FRENCH CANADIAN TYPE; COX DEFICIENCY, FRENCH CANADIAN TYPE; MITOCHONDRIAL COMPLEX IV DEFICIENCY, NUCLEAR TYPE 5. Identifiers: Orphanet 70472, MedGen C1857355, MONDO:0009069, OMIM 220111.

Allele frequency attached by ClinVar (database versions not stated): gnomAD exomes 0.14299 and 0.14888; ExAC 0.14639; 1000 Genomes Project 0.15755; 1000 Genomes Project 30x 0.16146; gnomAD 0.20269 and 0.21363; TOPMed 0.21294; ESP Exome Variant Server 0.21601.
gnomAD v4.1: 201,765 of 1,296,658 alleles (16%); highest among the groups gnomAD compares: African/African-American, 35%; 18,388 homozygotes.

Submissions (3):

Genome-Nilou Lab
Classification: Benign for Congenital lactic acidosis, Saguenay-Lac-Saint-Jean type. Last evaluated: 2021-07-10. Review status: criteria provided, single submitter. Criteria: ACMG Guidelines, 2015. Collection method: clinical testing. Allele origin: germline. Affected: no.

GeneDx
Classification: Benign. Last evaluated: 2018-06-18. Review status: criteria provided, single submitter. Criteria: GeneDx Variant Classification (06012015). Collection method: clinical testing. Allele origin: germline. Affected: yes.
Comment: This variant is considered likely benign or benign based on one or more of the following criteria: it is a conservative change, it occurs at a poorly conserved position in the protein, it is predicted to be benign by multiple in silico algorithms, and/or has population frequency not consistent with disease.

Breakthrough Genomics
Classification: Benign. Review status: criteria provided, single submitter. Criteria: ACMG Guidelines, 2015. Collection method: not provided. Allele origin: germline. Inheritance: Autosomal recessive inheritance. Affected: yes.